The following is an entry in ClinVar:

NM_004766.3(COPB2):c.2553+6T>G

Gene: COPB2 (coat protein complex I subunit beta 2; minus strand). Cytogenetic location: 3q23.
Variant type: single nucleotide variant.
Coding change: c.2553+6T>G on transcript NM_004766.3 (MANE Select); 6 bases into the intron after coding-DNA position 2553, T replaced by G.
Molecular consequence: intron variant.
Genome position (GRCh38, 1-based): chr3:139,358,738, A>C on the plus strand (T>G on the coding strand, the complement: COPB2 is on the minus strand). VCF-style: chr3-139358738-A-C. GRCh37 (hg19) VCF-style: chr3-139077580-A-C.
Identifiers: ClinVar variation 2031082 (VCV002031082.4), dbSNP rs202204189, ClinGen allele CA2580068853.

ClinVar aggregate classification (germline): Uncertain significance (1 of 4 stars; one submission).

Submission:

Labcorp Genetics (formerly Invitae), Labcorp
Classification: Uncertain significance. Last evaluated: 2022-09-18. Review status: criteria provided, single submitter. Criteria: Invitae Variant Classification Sherloc (09022015). Collection method: clinical testing. Allele origin: germline.
Comment: This sequence change falls in intron 20 of the COPB2 gene. It does not directly change the encoded amino acid sequence of the COPB2 protein. It affects a nucleotide within the consensus splice site. This variant is not present in population databases (gnomAD no frequency). This variant has not been reported in the literature in individuals affected with COPB2-related conditions. In summary, the available evidence is currently insufficient to determine the role of this variant in disease. Therefore, it has been classified as a Variant of Uncertain Significance. Variants that disrupt the consensus splice site are a relatively common cause of aberrant splicing (PMID: 17576681, 9536098). Algorithms developed to predict the effect of sequence changes on RNA splicing suggest that this variant is not likely to affect RNA splicing.

Literature cited by the submitters: PubMed 17576681; PubMed 9536098.